The following is an entry in ClinVar:

ClinVar aggregate classification (germline): Benign/Likely benign. Review status: criteria provided, multiple submitters, no conflicts (2 of 4 stars). 3 submissions from 3 submitters: Benign (1); Likely benign (2). Last evaluated 2025-03-27.

Conditions:
Inborn genetic diseases. Identifiers: MedGen C0950123, MeSH D030342.
Charcot-Marie-Tooth disease axonal type 2O. Also called: CHARCOT-MARIE-TOOTH NEUROPATHY, AXONAL, TYPE 2O; CHARCOT-MARIE-TOOTH DISEASE, AXONAL, AUTOSOMAL DOMINANT, TYPE 2O; Charcot-Marie-Tooth disease, axonal, type 20; Charcot-Marie-Tooth Neuropathy Type 2O. Identifiers: Orphanet 284232, MedGen C3280220, MONDO:0013644, OMIM 614228.

Allele frequency attached by ClinVar (database versions not stated): gnomAD 0.00001; gnomAD exomes 0.00001 and 0.00008; TOPMed 0.00002; ExAC 0.00013; 1000 Genomes Project 0.00020; 1000 Genomes Project 30x 0.00031.
gnomAD v4.1: 14 of 1,614,160 alleles (0.00087%); highest among the groups gnomAD compares: East Asian, 0.029%; no homozygotes.

Submissions (3):

Ambry Genetics
Classification: Likely benign for Inborn genetic diseases. Last evaluated: 2025-03-27. Review status: criteria provided, single submitter. Criteria: Ambry Variant Classification Scheme 2023. Collection method: clinical testing. Allele origin: germline.

Labcorp Genetics (formerly Invitae), Labcorp
Classification: Benign for Charcot-Marie-Tooth disease axonal type 2O. Last evaluated: 2024-11-11. Review status: criteria provided, single submitter. Criteria: Invitae Variant Classification Sherloc (09022015). Collection method: clinical testing. Allele origin: germline.

GeneDx
Classification: Likely benign. Last evaluated: 2017-12-08. Review status: criteria provided, single submitter. Criteria: GeneDx Variant Classification (06012015). Collection method: clinical testing. Allele origin: germline. Affected: yes.
Comment: This variant is considered likely benign or benign based on one or more of the following criteria: it is a conservative change, it occurs at a poorly conserved position in the protein, it is predicted to be benign by multiple in silico algorithms, and/or has population frequency not consistent with disease.

NM_001376.5(DYNC1H1):c.11749A>C (p.Ser3917Arg)

Gene: DYNC1H1 (dynein cytoplasmic 1 heavy chain 1; plus strand). Cytogenetic location: 14q32.31.
Variant type: single nucleotide variant.
Coding change: c.11749A>C on transcript NM_001376.5 (MANE Select); coding-DNA position 11749, A replaced by C.
Protein change: p.Ser3917Arg; replaces serine 3917 with arginine.
Molecular consequence: missense variant.
Genome position (GRCh38, 1-based): chr14:102,040,294, A>C. VCF-style: chr14-102040294-A-C. GRCh37 (hg19) VCF-style: chr14-102506631-A-C.
Other names: short protein forms S3917R.
Identifiers: ClinVar variation 514012 (VCV000514012.11), dbSNP rs201024297, ClinGen allele CA7353714.
Genomic context (GRCh38, chr14:102,040,294, plus strand): 5'-AGGGAGCCCACCTACGATGCAGAATTCCAGCACTTCTTGAGAGGAAATGAGATTGTCCTG[A>C]GTGCTGGCTCCACCCCCAGGATCCAGGGCCTGACTGTGGAGCAGGCGGAGGCGGTGGTGA-3'
Protein context (NP_001367.2, residues 3907-3927): HFLRGNEIVL[Ser3917Arg]AGSTPRIQGL